The following is an entry in ClinVar:

ClinVar aggregate classification (germline): Uncertain significance (1 of 4 stars; one submission).

Conditions:
Fanconi anemia (FA). Also called: Fanconi's anemia. Identifiers: Orphanet 84, MedGen C0015625, MeSH D005199, MONDO:0019391.

gnomAD v4.1: 2 of 1,614,112 alleles (0.00012%); highest among the groups gnomAD compares: South Asian, 0.0011%; no homozygotes.

Submission:

Labcorp Genetics (formerly Invitae), Labcorp
Classification: Uncertain significance for Fanconi anemia. Last evaluated: 2019-10-09. Review status: criteria provided, single submitter. Criteria: Invitae Variant Classification Sherloc (09022015). Collection method: clinical testing. Allele origin: germline.
Comment: In summary, the available evidence is currently insufficient to determine the role of this variant in disease. Therefore, it has been classified as a Variant of Uncertain Significance. Algorithms developed to predict the effect of sequence changes on RNA splicing suggest that this variant may create or strengthen a splice site, but this prediction has not been confirmed by published transcriptional studies. Algorithms developed to predict the effect of missense changes on protein structure and function are either unavailable or do not agree on the potential impact of this missense change (SIFT: "Deleterious"; PolyPhen-2: "Probably Damaging"; Align-GVGD: "Class C15"). This variant has not been reported in the literature in individuals with FANCI-related conditions. This variant is not present in population databases (ExAC no frequency). This sequence change replaces aspartic acid with tyrosine at codon 1021 of the FANCI protein (p.Asp1021Tyr). The aspartic acid residue is highly conserved and there is a large physicochemical difference between aspartic acid and tyrosine.

NM_001113378.2(FANCI):c.3061G>T (p.Asp1021Tyr)

Gene: FANCI (FA complementation group I; plus strand). Cytogenetic location: 15q26.1.
Variant type: single nucleotide variant.
Coding change: c.3061G>T on transcript NM_001113378.2 (MANE Select); coding-DNA position 3061, G replaced by T.
Protein change: p.Asp1021Tyr; replaces aspartic acid 1021 with tyrosine.
Molecular consequence: missense variant.
Genome position (GRCh38, 1-based): chr15:89,305,117, G>T. VCF-style: chr15-89305117-G-T. GRCh37 (hg19) VCF-style: chr15-89848348-G-T.
Other names: c.2782G>T, p.Asp928Tyr (NM_001376910.1); c.3061G>T, p.Asp1021Tyr (NM_001376911.1); c.2881G>T, p.Asp961Tyr (NM_018193.3); short protein forms D961Y, D1021Y, D928Y.
Identifiers: ClinVar variation 964885 (VCV000964885.9), dbSNP rs2054667740, ClinGen allele CA393738957.